The following is an entry in ClinVar:

ClinVar aggregate classification (germline): Pathogenic (1 of 4 stars; one submission).

Conditions:
Hereditary cancer-predisposing syndrome. Also called: Neoplastic Syndromes, Hereditary; Tumor predisposition; Hereditary neoplastic syndrome; Hereditary Cancer Syndrome. Identifiers: Orphanet 140162, MedGen C0027672, MeSH D009386, MONDO:0015356.

Submission:

Ambry Genetics
Classification: Pathogenic for Hereditary cancer-predisposing syndrome. Last evaluated: 2026-06-23. Review status: criteria provided, single submitter. Criteria: Ambry Variant Classification Scheme 2023. Collection method: clinical testing. Allele origin: germline.
Comment: The c.1897dupA pathogenic mutation, located in coding exon 4 of the MSH6 gene, results from a duplication of A at nucleotide position 1897, causing a translational frameshift with a predicted alternate stop codon (p.T633Nfs*7). This variant is considered to be rare based on population cohorts in the Genome Aggregation Database (gnomAD). This alteration is expected to result in loss of function by premature protein truncation or nonsense-mediated mRNA decay. As such, this alteration is interpreted as a disease-causing mutation.

NM_000179.3(MSH6):c.1897dup (p.Thr633fs)

Gene: MSH6 (mutS homolog 6; plus strand). Cytogenetic location: 2p16.3.
Variant type: Duplication.
Coding change: c.1897dup on transcript NM_000179.3 (MANE Select); coding-DNA position 1897, one base duplicated (A; older notation c.1897dupA).
Protein change: p.Thr633fs; shifts the reading frame from threonine 633.
Molecular consequence: frameshift variant. On other transcripts: non-coding transcript variant (5), intron variant (2).
Genome position (GRCh38, 1-based): chr2:47,799,880, A duplicated; the last of 4 consecutive A bases (chr2:47,799,877-47,799,880); duplicating any one gives the same sequence. VCF-style (leftmost placement, unchanged base first): chr2-47799876-C-CA. GRCh37 (hg19) VCF-style: chr2-48027015-C-CA.
Other names: c.1507dup, p.Thr503fs (NM_001281492.2); c.991dup, p.Thr331fs (NM_001281493.2, NM_001281494.2, NM_001406829.1 and 6 more transcripts); c.1993dup, p.Thr665fs (NM_001406795.1, NM_001406802.1); c.1897dup, p.Thr633fs (NM_001406796.1, NM_001406798.1, NM_001406800.1 and 3 more transcripts); c.1600dup, p.Thr534fs (NM_001406797.1, NM_001406828.1, NM_001406830.1 and 10 more transcripts); c.1606+291dup (NM_001406817.1); c.628-786dup (NM_001407362.1); c.1372dup, p.Thr458fs (NM_001406799.1, NM_001406806.1, NM_001406807.1); and 4 more; short protein forms T331fs, T458fs, T577fs, T665fs, T503fs, T534fs, T635fs, T607fs.
Identifiers: ClinVar variation 5024872 (VCV005024872.1).